The following is an entry in ClinVar:

NM_000211.5(ITGB2):c.2157G>A (p.Leu719=)

Gene: ITGB2 (integrin subunit beta 2; minus strand). Cytogenetic location: 21q22.3.
Variant type: single nucleotide variant.
Coding change: c.2157G>A on transcript NM_000211.5 (MANE Select); coding-DNA position 2157, G replaced by A.
Protein change: p.Leu719=; no amino-acid change (leucine 719 retained).
Molecular consequence: synonymous variant.
Genome position (GRCh38, 1-based): chr21:44,886,826, C>T on the plus strand (G>A on the coding strand, the complement: ITGB2 is on the minus strand). VCF-style: chr21-44886826-C-T. GRCh37 (hg19) VCF-style: chr21-46306741-C-T.
Other names: p.Leu719=; c.2157G>A, p.Leu719= (NM_001127491.3); c.1950G>A, p.Leu650= (NM_001303238.2).
Identifiers: ClinVar variation 4684438 (VCV004684438.1).

ClinVar aggregate classification (germline): Likely benign (1 of 4 stars; one submission).

Submission:

Mayo Clinic Laboratories, Mayo Clinic
Classification: Likely benign. Last evaluated: 2025-09-15. Review status: criteria provided, single submitter. Criteria: ACMG Guidelines, 2015. Collection method: clinical testing. Allele origin: germline. Observed: 1 variant allele.
Comment: BP4, BP7, PM2_supporting